The following is an entry in ClinVar:

ClinVar aggregate classification (germline): Uncertain significance (1 of 4 stars; one submission).

Conditions:
Hereditary cancer-predisposing syndrome. Also called: Neoplastic Syndromes, Hereditary; Tumor predisposition; Hereditary Cancer Syndrome; Hereditary neoplastic syndrome. Identifiers: Orphanet 140162, MedGen C0027672, MeSH D009386, MONDO:0015356.
Cardiovascular phenotype. Identifiers: MedGen CN230736.

Submission:

Ambry Genetics
Classification: Uncertain significance for Cardiovascular phenotype; Hereditary cancer-predisposing syndrome. Last evaluated: 2022-01-11. Review status: criteria provided, single submitter. Criteria: Ambry Variant Classification Scheme 2023. Collection method: clinical testing. Allele origin: germline.
Comment: The p.N1379D variant (also known as c.4135A>G), located in coding exon 31 of the NF1 gene, results from an A to G substitution at nucleotide position 4135. The asparagine at codon 1379 is replaced by aspartic acid, an amino acid with highly similar properties. This amino acid position is conserved. In addition, the in silico prediction for this alteration is inconclusive. Since supporting evidence is limited at this time, the clinical significance of this alteration remains unclear.

NM_001042492.3(NF1):c.4198A>G (p.Asn1400Asp)

Gene: NF1 (neurofibromin 1; plus strand). Cytogenetic location: 17q11.2.
Variant type: single nucleotide variant.
Coding change: c.4198A>G on transcript NM_001042492.3 (MANE Select); coding-DNA position 4198, A replaced by G.
Protein change: p.Asn1400Asp; replaces asparagine 1400 with aspartic acid.
Molecular consequence: missense variant.
Genome position (GRCh38, 1-based): chr17:31,258,368, A>G. VCF-style: chr17-31258368-A-G. GRCh37 (hg19) VCF-style: chr17-29585386-A-G.
Other names: c.4135A>G, p.Asn1379Asp (NM_000267.4); short protein forms N1400D, N1379D.
Identifiers: ClinVar variation 1738109 (VCV001738109.2), dbSNP rs2151461837, ClinGen allele CA398997602.